The following is an entry in ClinVar:

ClinVar aggregate classification (germline): Benign (1 of 4 stars; one submission).

Allele frequency attached by ClinVar (database versions not stated): TOPMed 0.76500; 1000 Genomes Project 30x 0.77108; gnomAD 0.77121 and 0.78218.

Submission:

GeneDx
Classification: Benign. Last evaluated: 2018-06-19. Review status: criteria provided, single submitter. Criteria: GeneDx Variant Classification (06012015). Collection method: clinical testing. Allele origin: germline. Affected: yes.
Comment: This variant is considered likely benign or benign based on one or more of the following criteria: it is a conservative change, it occurs at a poorly conserved position in the protein, it is predicted to be benign by multiple in silico algorithms, and/or has population frequency not consistent with disease.

NM_018136.5(ASPM):c.8987+230_8987+231insTAC

Gene: ASPM (assembly factor for spindle microtubules; minus strand). Cytogenetic location: 1q31.3.
Variant type: Insertion.
Coding change: c.8987+230_8987+231insTAC on transcript NM_018136.5 (MANE Select); bases 230 to 231 of the intron after coding-DNA position 8987, TAC inserted.
Molecular consequence: intron variant.
Genome position: GRCh38 VCF-style: chr1-197095767-T-TGTA. GRCh37 (hg19) VCF-style: chr1-197064897-T-TGTA.
Other names: c.4232+230_4232+231insTAC (NM_001206846.2).
Identifiers: ClinVar variation 678054 (VCV000678054.1), dbSNP rs3077762, ClinGen allele CA35865052.